The following is an entry in ClinVar:

NM_000138.5(FBN1):c.2623T>A (p.Cys875Ser)

Gene: FBN1 (fibrillin 1; minus strand). Cytogenetic location: 15q21.1.
Variant type: single nucleotide variant.
Coding change: c.2623T>A on transcript NM_000138.5 (MANE Select); coding-DNA position 2623, T replaced by A.
Protein change: p.Cys875Ser; replaces cysteine 875 with serine.
Molecular consequence: missense variant.
Genome position (GRCh38, 1-based): chr15:48,495,177, A>T on the plus strand (T>A on the coding strand, the complement: FBN1 is on the minus strand). VCF-style: chr15-48495177-A-T. GRCh37 (hg19) VCF-style: chr15-48787374-A-T.
Other names: short protein forms C875S.
Identifiers: ClinVar variation 642667 (VCV000642667.8), dbSNP rs1597568880, ClinGen allele CA392332363.

ClinVar aggregate classification (germline): Pathogenic (1 of 4 stars; one submission).

Conditions:
Familial thoracic aortic aneurysm and aortic dissection (TAAD). Also called: Thoracic aortic aneurysms and dissections. Identifiers: Orphanet 91387, MedGen C4707243, MONDO:0019625.
Marfan syndrome (MFS). Also called: FBN1-Related Marfan Syndrome; Marfan syndrome type 1; Marfan's syndrome; Marfan syndrome, classic; MARFAN SYNDROME, TYPE I. Identifiers: Orphanet 284963, Orphanet 558, MedGen C0024796, MONDO:0007947, OMIM 154700.

Submission:

Labcorp Genetics (formerly Invitae), Labcorp
Classification: Pathogenic for Marfan syndrome; Familial thoracic aortic aneurysm and aortic dissection. Last evaluated: 2025-04-25. Review status: criteria provided, single submitter. Criteria: Invitae Variant Classification Sherloc (09022015). Collection method: clinical testing. Allele origin: germline.
Comment: This sequence change replaces cysteine, which is neutral and slightly polar, with serine, which is neutral and polar, at codon 875 of the FBN1 protein (p.Cys875Ser). This variant is not present in population databases (gnomAD no frequency). This missense change has been observed in individual(s) with thoracic aortic aneurysm and dissection (PMID: 28973303). ClinVar contains an entry for this variant (Variation ID: 642667). Invitae Evidence Modeling of protein sequence and biophysical properties (such as structural, functional, and spatial information, amino acid conservation, physicochemical variation, residue mobility, and thermodynamic stability) indicates that this missense variant is expected to disrupt FBN1 protein function with a positive predictive value of 95%. This variant affects a cysteine residue in the EGF-like, TGFBP or hybrid motif domains of FBN1. Cysteine residues are believed to be involved in intramolecular disulfide bridges and have been shown to be important for FBN1 protein structure (PMID: 16905551, 19349279). In addition, missense substitutions affecting cysteine residues within these domains are significantly overrepresented among patients with Marfan syndrome (PMID: 16571647, 17701892). This variant disrupts the p.Cys875 amino acid residue in FBN1. Other variant(s) that disrupt this residue have been observed in individuals with FBN1-related conditions (PMID: 19293843, 28973303), which suggests that this may be a clinically significant amino acid residue. For these reasons, this variant has been classified as Pathogenic.

Literature cited by the submitters: PubMed 28973303; PubMed 16905551; PubMed 19349279; PubMed 16571647; PubMed 17701892; PubMed 19293843.